The following is an entry in ClinVar:

ClinVar aggregate classification (germline): Uncertain significance. Review status: criteria provided, multiple submitters, no conflicts (2 of 4 stars). 2 submissions from 2 submitters: Uncertain significance (2). Last evaluated 2025-12-25.

Conditions:
Immunodeficiency 39 (IMD39). Identifiers: Orphanet 574918, MedGen C4225358, MONDO:0014597, OMIM 616345.

Submissions (2):

Labcorp Genetics (formerly Invitae), Labcorp
Classification: Uncertain significance for Immunodeficiency 39. Last evaluated: 2025-12-25. Review status: criteria provided, single submitter. Criteria: Invitae Variant Classification Sherloc (09022015). Collection method: clinical testing. Allele origin: germline.
Comment: This sequence change replaces arginine, which is basic and polar, with cysteine, which is neutral and slightly polar, at codon 435 of the IRF7 protein (p.Arg435Cys). This variant is present in population databases (rs775126859, gnomAD 0.003%). This variant has not been reported in the literature in individuals affected with IRF7-related conditions. ClinVar contains an entry for this variant (Variation ID: 4276743). Invitae Evidence Modeling of protein sequence and biophysical properties (such as structural, functional, and spatial information, amino acid conservation, physicochemical variation, residue mobility, and thermodynamic stability) indicates that this missense variant is expected to disrupt IRF7 protein function with a positive predictive value of 80%. In summary, the available evidence is currently insufficient to determine the role of this variant in disease. Therefore, it has been classified as a Variant of Uncertain Significance.

Ambry Genetics
Classification: Uncertain significance. Last evaluated: 2025-07-01. Review status: criteria provided, single submitter. Criteria: Ambry Variant Classification Scheme 2023. Collection method: clinical testing. Allele origin: germline.

NM_001572.5(IRF7):c.1264C>T (p.Arg422Cys)

Gene: IRF7 (interferon regulatory factor 7; minus strand). Cytogenetic location: 11p15.5.
Variant type: single nucleotide variant.
Coding change: c.1264C>T on transcript NM_001572.5 (MANE Select); coding-DNA position 1264, C replaced by T.
Protein change: p.Arg422Cys; replaces arginine 422 with cysteine.
Molecular consequence: missense variant.
Genome position (GRCh38, 1-based): chr11:613,091, G>A on the plus strand (C>T on the coding strand, the complement: IRF7 is on the minus strand). VCF-style: chr11-613091-G-A. GRCh37 (hg19) VCF-style: chr11-613091-G-A.
Other names: c.1300C>T, p.Arg434Cys (NM_001440440.1); c.1261C>T, p.Arg421Cys (NM_001440442.1); c.1216C>T, p.Arg406Cys (NM_001440444.1); c.1174C>T, p.Arg392Cys (NM_001440445.1); c.892C>T, p.Arg298Cys (NM_001440446.1); c.1177C>T, p.Arg393Cys (NM_004029.4); c.1303C>T, p.Arg435Cys (NM_004031.4); short protein forms R421C, R434C, R298C, R406C, R392C, R393C, R422C, R435C.
Identifiers: ClinVar variation 4276743 (VCV004276743.2).